The following is an entry in ClinVar:

NM_020436.5(SALL4):c.2089A>G (p.Ser697Gly)

Gene: SALL4 (spalt like transcription factor 4; minus strand). Cytogenetic location: 20q13.2.
Variant type: single nucleotide variant.
Coding change: c.2089A>G on transcript NM_020436.5 (MANE Select); coding-DNA position 2089, A replaced by G.
Protein change: p.Ser697Gly; replaces serine 697 with glycine.
Molecular consequence: missense variant. On other transcripts: intron variant (1).
Genome position (GRCh38, 1-based): chr20:51,790,394, T>C on the plus strand (A>G on the coding strand, the complement: SALL4 is on the minus strand). VCF-style: chr20-51790394-T-C. GRCh37 (hg19) VCF-style: chr20-50406933-T-C.
Other names: c.1150+939A>G (NM_001318031.2); short protein forms S697G.
Identifiers: ClinVar variation 2484346 (VCV002484346.3), dbSNP rs2078027775, ClinGen allele CA409008169.
Genomic context (GRCh38, chr20:51,790,394, plus strand): 5'-AGTGGATGCTGGGAAGAGGCGTGGGGACCTTGGAGGAGCTGCTGGGAGCCTCCTGGGAGC[T>C]GACTTCCTCTACATCGATGCTTTCGATGACATCATCATGGCAGATAGCGCCGGTGCTGCC-3'
Protein context (NP_065169.1, residues 687-707): VIESIDVEEV[Ser697Gly]SQEAPSSSSK

ClinVar aggregate classification (germline): Conflicting classifications of pathogenicity. Review status: criteria provided, conflicting classifications (1 of 4 stars). 2 submissions from 2 submitters: Uncertain significance (1); Likely benign (1). Last evaluated 2025-10-01.

Conditions:
Duane-radial ray syndrome (DRRS). Also called: ACRORENOOCULAR SYNDROME; DR SYNDROME; DUANE ANOMALY WITH RADIAL RAY ABNORMALITIES AND DEAFNESS; Duane-Radial Ray Syndrome (DRRS) / Okihiro Syndrome; Okihiro Syndrome; Duane-Radial Ray Syndrome/Okihiro Syndrome. Identifiers: Orphanet 93293, Orphanet 959, MedGen C1623209, MONDO:0011812, OMIM 607323. Disease mechanism: gain of function.
Inborn genetic diseases. Identifiers: MedGen C0950123, MeSH D030342.

Submissions (2):

Labcorp Genetics (formerly Invitae), Labcorp
Classification: Uncertain significance for Duane-radial ray syndrome. Last evaluated: 2025-10-01. Review status: criteria provided, single submitter. Criteria: Invitae Variant Classification Sherloc (09022015). Collection method: clinical testing. Allele origin: germline.
Comment: This sequence change replaces serine, which is neutral and polar, with glycine, which is neutral and non-polar, at codon 697 of the SALL4 protein (p.Ser697Gly). This variant is not present in population databases (gnomAD no frequency). This variant has not been reported in the literature in individuals affected with SALL4-related conditions. ClinVar contains an entry for this variant (Variation ID: 2484346). An algorithm developed to predict the effect of missense changes on protein structure and function outputs the following: PolyPhen-2: "Benign". The glycine amino acid residue is found in multiple mammalian species, which suggests that this missense change does not adversely affect protein function. In summary, the available evidence is currently insufficient to determine the role of this variant in disease. Therefore, it has been classified as a Variant of Uncertain Significance.

Ambry Genetics
Classification: Likely benign for Inborn genetic diseases. Last evaluated: 2023-02-15. Review status: criteria provided, single submitter. Criteria: Ambry Variant Classification Scheme 2023. Collection method: clinical testing. Allele origin: germline.